The following is an entry in ClinVar:

ClinVar aggregate classification (germline): Uncertain significance (1 of 4 stars; one submission).

Allele frequency attached by ClinVar (database versions not stated): TOPMed below 0.00001; gnomAD exomes 0.00001.
gnomAD v4.1: 13 of 1,613,810 alleles (0.00081%); highest among the groups gnomAD compares: Non-Finnish European, 0.0011%; no homozygotes.

Submission:

CeGaT Center for Human Genetics Tuebingen
Classification: Uncertain significance. Last evaluated: 2023-07-01. Review status: criteria provided, single submitter. Criteria: CeGaT Center For Human Genetics Tuebingen Variant Classification Criteria Version 2. Collection method: clinical testing. Allele origin: germline. Affected: yes. Observed: 1 variant allele.
Comment: ADAMTSL1: PM2, BP4

NM_001040272.6(ADAMTSL1):c.1137-4G>A

Gene: ADAMTSL1 (ADAMTS like 1; plus strand). Cytogenetic location: 9p22.1.
Variant type: single nucleotide variant.
Coding change: c.1137-4G>A on transcript NM_001040272.6 (MANE Select); 4 bases into the intron before coding-DNA position 1137, G replaced by A.
Molecular consequence: intron variant.
Genome position (GRCh38, 1-based): chr9:18,680,308, G>A. VCF-style: chr9-18680308-G-A. GRCh37 (hg19) VCF-style: chr9-18680306-G-A.
Other names: c.1137-4G>A (NM_052866.5).
Identifiers: ClinVar variation 2659094 (VCV002659094.24), dbSNP rs1198569365, ClinGen allele CA861823068.